The following is an entry in ClinVar:

NM_002645.4(PIK3C2A):c.2918A>T (p.Asp973Val)

Gene: PIK3C2A (phosphatidylinositol-4-phosphate 3-kinase catalytic subunit type 2 alpha; minus strand). Cytogenetic location: 11p15.1.
Variant type: single nucleotide variant.
Coding change: c.2918A>T on transcript NM_002645.4 (MANE Select); coding-DNA position 2918, A replaced by T.
Protein change: p.Asp973Val; replaces aspartic acid 973 with valine.
Molecular consequence: missense variant.
Genome position (GRCh38, 1-based): chr11:17,119,242, T>A on the plus strand (A>T on the coding strand, the complement: PIK3C2A is on the minus strand). VCF-style: chr11-17119242-T-A. GRCh37 (hg19) VCF-style: chr11-17140789-T-A.
Other names: c.2918A>T, p.Asp973Val (NM_001321378.2); c.1778A>T, p.Asp593Val (NM_001321380.2); c.2750A>T, p.Asp917Val (NM_001386870.1); short protein forms D593V, D917V, D973V.
Identifiers: ClinVar variation 1998788 (VCV001998788.4), dbSNP rs1165299885, ClinGen allele CA379760373.

ClinVar aggregate classification (germline): Uncertain significance (1 of 4 stars; one submission).

Allele frequency attached by ClinVar (database versions not stated): gnomAD exomes below 0.00001.
gnomAD v4.1: 1 of 1,596,114 alleles (0.000063%); highest among the groups gnomAD compares: South Asian, 0.0011%; no homozygotes.

Submission:

Labcorp Genetics (formerly Invitae), Labcorp
Classification: Uncertain significance. Last evaluated: 2022-09-01. Review status: criteria provided, single submitter. Criteria: Invitae Variant Classification Sherloc (09022015). Collection method: clinical testing. Allele origin: germline.
Comment: In summary, the available evidence is currently insufficient to determine the role of this variant in disease. Therefore, it has been classified as a Variant of Uncertain Significance. Algorithms developed to predict the effect of missense changes on protein structure and function are either unavailable or do not agree on the potential impact of this missense change (SIFT: "Not Available"; PolyPhen-2: "Probably Damaging"; Align-GVGD: "Not Available"). This variant has not been reported in the literature in individuals affected with PIK3C2A-related conditions. This variant is present in population databases (no rsID available, gnomAD 0.0009%). This sequence change replaces aspartic acid, which is acidic and polar, with valine, which is neutral and non-polar, at codon 973 of the PIK3C2A protein (p.Asp973Val).